The following is an entry in ClinVar:

NM_001353345.2(SETD1B):c.1478A>G (p.Glu493Gly)

Gene: SETD1B (SET domain containing 1B, histone lysine methyltransferase; plus strand). Cytogenetic location: 12q24.31.
Variant type: single nucleotide variant.
Coding change: c.1478A>G on transcript NM_001353345.2 (MANE Select); coding-DNA position 1478, A replaced by G.
Protein change: p.Glu493Gly; replaces glutamic acid 493 with glycine.
Molecular consequence: missense variant.
Genome position (GRCh38, 1-based): chr12:121,810,423, A>G. VCF-style: chr12-121810423-A-G. GRCh37 (hg19) VCF-style: chr12-122248329-A-G.
Other names: NM_015048.1:c.1478A>G; short protein forms E493G.
Identifiers: ClinVar variation 2643433 (VCV002643433.26), dbSNP rs190344718, ClinGen allele CA6838875.

ClinVar aggregate classification (germline): Likely benign. Review status: criteria provided, multiple submitters, no conflicts (2 of 4 stars). 3 submissions from 3 submitters: Likely benign (2). 1 of the submissions does not count toward it. Last evaluated 2026-03-01.

Conditions:
SETD1B-related disorder. Also called: SETD1B-related condition.

Allele frequency attached by ClinVar (database versions not stated): 1000 Genomes Project 30x 0.00047.
gnomAD v4.1: 1,312 of 1,549,272 alleles (0.085%); highest among the groups gnomAD compares: Non-Finnish European, 0.11%; 1 homozygote.

Submissions (3):

CeGaT Center for Human Genetics Tuebingen
Classification: Likely benign. Last evaluated: 2026-03-01. Review status: criteria provided, single submitter. Criteria: CeGaT Center For Human Genetics Tuebingen Variant Classification Criteria Version 2. Collection method: clinical testing. Allele origin: germline. Affected: yes. Observed: 2 variant alleles.
Comment: SETD1B: BS1

Blueprint Genetics
Classification: Likely benign. Last evaluated: 2024-10-17. Review status: criteria provided, single submitter. Criteria: ACMG Guidelines, 2015. Collection method: clinical testing. Allele origin: germline.

PreventionGenetics, part of Exact Sciences
Classification: Likely benign for SETD1B-related condition. Last evaluated: 2022-02-04. Review status: no assertion criteria provided. Collection method: clinical testing. Allele origin: germline. Not counted in ClinVar's aggregate classification.
Comment: This variant is classified as likely benign based on ACMG/AMP sequence variant interpretation guidelines (Richards et al. 2015 PMID: 25741868, with internal and published modifications).